The following is an entry in ClinVar:

ClinVar aggregate classification (germline): Uncertain significance (1 of 4 stars; one submission).

gnomAD v4.1: 19 of 1,608,486 alleles (0.0012%); highest among the groups gnomAD compares: East Asian, 0.0022%; no homozygotes.

Submission:

GeneDx
Classification: Uncertain significance. Last evaluated: 2024-09-19. Review status: criteria provided, single submitter. Criteria: GeneDx Variant Classification Process June 2021. Collection method: clinical testing. Allele origin: germline. Affected: yes.
Comment: In silico analysis supports that this missense variant has a deleterious effect on protein structure/function; Has not been previously published as pathogenic or benign to our knowledge

NM_000168.6(GLI3):c.1850G>A (p.Arg617His)

Gene: GLI3 (GLI family zinc finger 3; minus strand). Cytogenetic location: 7p14.1.
Variant type: single nucleotide variant.
Coding change: c.1850G>A on transcript NM_000168.6 (MANE Select); coding-DNA position 1850, G replaced by A.
Protein change: p.Arg617His; replaces arginine 617 with histidine.
Molecular consequence: missense variant.
Genome position (GRCh38, 1-based): chr7:41,972,590, C>T on the plus strand (G>A on the coding strand, the complement: GLI3 is on the minus strand). VCF-style: chr7-41972590-C-T. GRCh37 (hg19) VCF-style: chr7-42012189-C-T.
Other names: short protein forms R617H.
Identifiers: ClinVar variation 3774122 (VCV003774122.1).